The following is an entry in ClinVar:

ClinVar aggregate classification (germline): Uncertain significance (1 of 4 stars; one submission).

gnomAD v4.1: 3 of 1,613,916 alleles (0.00019%); highest among the groups gnomAD compares: African/African-American, 0.0013%; no homozygotes.

Submission:

GeneDx
Classification: Uncertain significance. Last evaluated: 2025-04-08. Review status: criteria provided, single submitter. Criteria: GeneDx Variant Classification Process June 2021. Collection method: clinical testing. Allele origin: germline. Affected: yes.
Comment: Not observed at significant frequency in large population cohorts (gnomAD); In silico analysis supports that this missense variant has a deleterious effect on protein structure/function; Has not been previously published as pathogenic or benign to our knowledge

NM_015057.5(MYCBP2):c.13207G>A (p.Glu4403Lys)

Gene: MYCBP2 (MYC binding protein 2; minus strand). Cytogenetic location: 13q22.3.
Variant type: single nucleotide variant.
Coding change: c.13207G>A on transcript NM_015057.5 (MANE Select); coding-DNA position 13207, G replaced by A.
Protein change: p.Glu4403Lys; replaces glutamic acid 4403 with lysine.
Molecular consequence: missense variant.
Genome position (GRCh38, 1-based): chr13:77,058,340, C>T on the plus strand (G>A on the coding strand, the complement: MYCBP2 is on the minus strand). VCF-style: chr13-77058340-C-T. GRCh37 (hg19) VCF-style: chr13-77632475-C-T.
Other names: short protein forms E4403K.
Identifiers: ClinVar variation 4282005 (VCV004282005.1).